The following is an entry in ClinVar:

ClinVar aggregate classification (germline): Benign. Review status: criteria provided, multiple submitters, no conflicts (2 of 4 stars). 2 submissions from 2 submitters: Benign (2). Last evaluated 2026-02-01.

Conditions:
Primary ciliary dyskinesia. Also called: Ciliary dyskinesia. Identifiers: Orphanet 244, MedGen C0008780, MONDO:0016575, HP:0012265.

Allele frequency attached by ClinVar (database versions not stated): ESP Exome Variant Server 0.00085; gnomAD 0.00135 and 0.00294; TOPMed 0.00242; gnomAD exomes 0.00330 and 0.00732; ExAC 0.00838; 1000 Genomes Project 30x 0.01515; 1000 Genomes Project 0.01558.
gnomAD v4.1: 5,283 of 1,599,432 alleles (0.33%); highest among the groups gnomAD compares: South Asian, 3.4%; 123 homozygotes.

Submissions (2):

Labcorp Genetics (formerly Invitae), Labcorp
Classification: Benign for Primary ciliary dyskinesia. Last evaluated: 2026-02-01. Review status: criteria provided, single submitter. Criteria: Invitae Variant Classification Sherloc (09022015). Collection method: clinical testing. Allele origin: germline.

CeGaT Center for Human Genetics Tuebingen
Classification: Benign. Last evaluated: 2024-08-01. Review status: criteria provided, single submitter. Criteria: CeGaT Center For Human Genetics Tuebingen Variant Classification Criteria Version 2. Collection method: clinical testing. Allele origin: germline. Affected: yes. Observed: 1 variant allele.
Comment: DNAH8: BP4, BS1, BS2

NM_001206927.2(DNAH8):c.2915A>T (p.Glu972Val)

Gene: DNAH8 (dynein axonemal heavy chain 8; plus strand). Cytogenetic location: 6p21.2.
Variant type: single nucleotide variant.
Coding change: c.2915A>T on transcript NM_001206927.2 (MANE Select); coding-DNA position 2915, A replaced by T.
Protein change: p.Glu972Val; replaces glutamic acid 972 with valine.
Molecular consequence: missense variant.
Genome position (GRCh38, 1-based): chr6:38,803,192, A>T. VCF-style: chr6-38803192-A-T. GRCh37 (hg19) VCF-style: chr6-38770968-A-T.
Other names: c.2264A>T, p.Glu755Val (NM_001371.4); short protein forms E972V, E755V.
Identifiers: ClinVar variation 224928 (VCV000224928.28), dbSNP rs139961713, ClinGen allele CA356459.